The following is an entry in ClinVar:

NM_001365276.2(TNXB):c.12560G>A (p.Arg4187Gln)

Genes: TNXB (tenascin XB; minus strand), LOC106780803 (tenascin XB recombination region; plus strand). Cytogenetic location: 6p21.33.
Variant type: single nucleotide variant.
Coding change: c.12560G>A on transcript NM_001365276.2 (MANE Select); coding-DNA position 12560, G replaced by A.
Protein change: p.Arg4187Gln; replaces arginine 4187 with glutamine.
Molecular consequence: missense variant.
Genome position (GRCh38, 1-based): chr6:32,041,844, C>T on the plus strand (G>A on the coding strand, the complement: TNXB is on the minus strand). VCF-style: chr6-32041844-C-T. GRCh37 (hg19) VCF-style: chr6-32009621-C-T.
Other names: p.Arg4185Gln; c.13301G>A, p.Arg4434Gln (NM_001428335.1); c.12554G>A, p.Arg4185Gln (NM_019105.8); c.1847G>A, p.Arg616Gln (NM_032470.4); short protein forms R4185Q, R4187Q, R4434Q, R616Q.
Identifiers: ClinVar variation 3379654 (VCV003379654.1).

ClinVar aggregate classification (germline): Uncertain significance (1 of 4 stars; one submission).

Submission:

Mayo Clinic Laboratories, Mayo Clinic
Classification: Uncertain significance. Last evaluated: 2024-08-02. Review status: criteria provided, single submitter. Criteria: ACMG Guidelines, 2015. Collection method: clinical testing. Allele origin: germline. Observed: 1 variant allele.
Comment: BS1